The following is an entry in ClinVar:

NM_001267550.2(TTN):c.32722+9G>A

Gene: TTN (titin; minus strand). Cytogenetic location: 2q31.2.
Variant type: single nucleotide variant.
Coding change: c.32722+9G>A on transcript NM_001267550.2 (MANE Select); 9 bases into the intron after coding-DNA position 32722, G replaced by A.
Molecular consequence: intron variant.
Genome position (GRCh38, 1-based): chr2:178,684,321, C>T on the plus strand (G>A on the coding strand, the complement: TTN is on the minus strand). VCF-style: chr2-178684321-C-T. GRCh37 (hg19) VCF-style: chr2-179549048-C-T.
Other names: p.?; c.13283-42004G>A (NM_003319.4); c.13859-42004G>A (NM_133437.4); c.13658-42004G>A (NM_133432.3); c.28990+9G>A (NM_133378.4); c.31771+9G>A (NM_001256850.1).
Identifiers: ClinVar variation 46876 (VCV000046876.74), dbSNP rs148231130, ClinGen allele CA283128.
Genomic context (GRCh38, chr2:178,684,321, plus strand): 5'-ATAACCAGTGTATTTGGTAAAGAGAGTAGGGCAAGTACAATATTGTGCATAATGGAAGGG[C>T]GGATGTACCTCTTGCTTTTGGAGGCGCCTCTTTTTTAGTTACAGCAACAAGAACTTTTTC-3'

ClinVar aggregate classification (germline): Benign/Likely benign. Review status: criteria provided, multiple submitters, no conflicts (2 of 4 stars). 25 submissions from 18 submitters: Benign (15); Likely benign (4). 6 of the submissions do not count toward it. Last evaluated 2026-09-01.

Conditions:
Dilated cardiomyopathy 1G (CMD1G). Identifiers: Orphanet 154, MedGen C1858763, MONDO:0011400, OMIM 604145.
Autosomal recessive limb-girdle muscular dystrophy type 2J (LGMDR10). Also called: MUSCULAR DYSTROPHY, LIMB-GIRDLE, AUTOSOMAL RECESSIVE 10; Limb-girdle muscular dystrophy, type 2J. Identifiers: Orphanet 140922, MedGen C1837342, MONDO:0012127, OMIM 608807.
Cardiomyopathy (CMYO). Also called: Cardiomyopathies. Identifiers: Orphanet 167848, MedGen C0878544, MONDO:0004994, HP:0001638. Inheritance: Various modes of inheritance.
Early-onset myopathy with fatal cardiomyopathy (CMYO5). Also called: CONGENITAL MYOPATHY 5 WITH CARDIOMYOPATHY; Salih Myopathy. Identifiers: Orphanet 289377, MedGen C2673677, MONDO:0012714, OMIM 611705. Disease mechanism: loss of function.
Myopathy, myofibrillar, 9, with early respiratory failure (MFM9). Also called: Myopathy, distal, with early respiratory failure, autosomal dominant; Hereditary myopathy with early respiratory failure; MYOPATHY, PROXIMAL, WITH EARLY RESPIRATORY MUSCLE INVOLVEMENT; EDSTROM MYOPATHY. Identifiers: Orphanet 178464, Orphanet 34521, MedGen C1863599, MONDO:0011362, OMIM 603689.
Tibial muscular dystrophy (TMD). Also called: Udd Distal Myopathy – Tibial Muscular Dystrophy; Tibial muscular dystrophy, tardive; UDD MYOPATHY. Identifiers: Orphanet 609, MedGen C1838244, MONDO:0010870, OMIM 600334.

Allele frequency attached by ClinVar (database versions not stated): gnomAD 0.00695 and 0.00670; 1000 Genomes Project 0.00280; TOPMed 0.00714; ExAC 0.00858; 1000 Genomes Project 30x 0.00312; ESP Exome Variant Server 0.00829; gnomAD exomes 0.00772.
gnomAD v4.1: 16,637 of 1,612,448 alleles (1%); highest among the groups gnomAD compares: Non-Finnish European, 1.3%; 108 homozygotes.

Submissions (25):

CeGaT Center for Human Genetics Tuebingen
Classification: Benign. Last evaluated: 2026-09-01. Review status: criteria provided, single submitter. Criteria: CeGaT Center For Human Genetics Tuebingen Variant Classification Criteria Version 2. Collection method: clinical testing. Allele origin: germline. Affected: yes. Observed: 45 variant alleles.
Comment: TTN: BS1, BS2

Labcorp Genetics (formerly Invitae), Labcorp
Classification: Benign for Dilated cardiomyopathy 1G; Autosomal recessive limb-girdle muscular dystrophy type 2J. Last evaluated: 2026-02-04. Review status: criteria provided, single submitter. Criteria: Invitae Variant Classification Sherloc (09022015). Collection method: clinical testing. Allele origin: germline.

ARUP Laboratories, Molecular Genetics and Genomics, ARUP Laboratories
Classification: Benign. Last evaluated: 2025-05-26. Review status: criteria provided, single submitter. Criteria: ARUP Molecular Germline Variant Investigation Process 2024. Collection method: clinical testing. Allele origin: germline.

Molecular Diagnostic Laboratory for Inherited Cardiovascular Disease, Montreal Heart Institute
Classification: Benign. Last evaluated: 2025-04-09. Review status: criteria provided, single submitter. Criteria: ACMG Guidelines, 2015. Collection method: clinical testing. Allele origin: germline. Affected: no.

Blueprint Genetics
Classification: Likely benign. Last evaluated: 2024-11-25. Review status: criteria provided, single submitter. Criteria: ACMG Guidelines, 2015. Collection method: clinical testing. Allele origin: germline.

Genome-Nilou Lab
Classification: Benign for Autosomal recessive limb-girdle muscular dystrophy type 2J. Last evaluated: 2021-09-10. Review status: criteria provided, single submitter. Criteria: ACMG Guidelines, 2015. Collection method: clinical testing. Allele origin: germline. Affected: no.

Genome-Nilou Lab
Classification: Benign for Myopathy, myofibrillar, 9, with early respiratory failure. Last evaluated: 2021-09-10. Review status: criteria provided, single submitter. Criteria: ACMG Guidelines, 2015. Collection method: clinical testing. Allele origin: germline. Affected: no.

Genome-Nilou Lab
Classification: Benign for Early-onset myopathy with fatal cardiomyopathy. Last evaluated: 2021-09-10. Review status: criteria provided, single submitter. Criteria: ACMG Guidelines, 2015. Collection method: clinical testing. Allele origin: germline. Affected: no.

Genome-Nilou Lab
Classification: Benign for Tibial muscular dystrophy. Last evaluated: 2021-09-10. Review status: criteria provided, single submitter. Criteria: ACMG Guidelines, 2015. Collection method: clinical testing. Allele origin: germline. Affected: no.

Women's Health and Genetics/Laboratory Corporation of America, LabCorp
Classification: Benign. Last evaluated: 2020-12-06. Review status: criteria provided, single submitter. Criteria: LabCorp Variant Classification Summary - May 2015. Collection method: clinical testing. Allele origin: germline.

Mayo Clinic Laboratories, Mayo Clinic
Classification: Benign. Last evaluated: 2018-02-20. Review status: criteria provided, single submitter. Criteria: ACMG Guidelines, 2015. Collection method: clinical testing. Allele origin: germline. Observed: 25 variant alleles.

Illumina Laboratory Services, Illumina
Classification: Likely benign for Dilated cardiomyopathy 1G. Last evaluated: 2018-01-13. Review status: criteria provided, single submitter. Criteria: ICSL Variant Classification Criteria 13 December 2019. Collection method: clinical testing. Allele origin: germline.
Comment: This variant was observed in the ICSL laboratory as part of a predisposition screen in an ostensibly healthy population. It had not been previously curated by ICSL or reported in the Human Gene Mutation Database (HGMD: prior to June 1st, 2018), and was therefore a candidate for classification through an automated scoring system. Utilizing variant allele frequency, disease prevalence and penetrance estimates, and inheritance mode, an automated score was calculated to assess if this variant is too frequent to cause the disease. Based on the score and internal cut-off values, a variant classified as likely benign is not then subjected to further curation. The score for this variant resulted in a classification of likely benign for this disease.

Illumina Laboratory Services, Illumina
Classification: Likely benign for Early-onset myopathy with fatal cardiomyopathy. Last evaluated: 2018-01-13. Review status: criteria provided, single submitter. Criteria: ICSL Variant Classification Criteria 13 December 2019. Collection method: clinical testing. Allele origin: germline.
Comment: the same text as in the submission from Illumina Laboratory Services, Illumina above.

Illumina Laboratory Services, Illumina
Classification: Likely benign for Autosomal recessive limb-girdle muscular dystrophy type 2J. Last evaluated: 2018-01-13. Review status: criteria provided, single submitter. Criteria: ICSL Variant Classification Criteria 13 December 2019. Collection method: clinical testing. Allele origin: germline.
Comment: the same text as in the submission from Illumina Laboratory Services, Illumina above.

Illumina Laboratory Services, Illumina
Classification: Benign for Myopathy, myofibrillar, 9, with early respiratory failure. Last evaluated: 2018-01-13. Review status: criteria provided, single submitter. Criteria: ICSL Variant Classification Criteria 13 December 2019. Collection method: clinical testing. Allele origin: germline.
Comment: This variant was observed in the ICSL laboratory as part of a predisposition screen in an ostensibly healthy population. It had not been previously curated by ICSL or reported in the Human Gene Mutation Database (HGMD: prior to June 1st, 2018), and was therefore a candidate for classification through an automated scoring system. Utilizing variant allele frequency, disease prevalence and penetrance estimates, and inheritance mode, an automated score was calculated to assess if this variant is too frequent to cause the disease. Based on the score and internal cut-off values, a variant classified as benign is not then subjected to further curation. The score for this variant resulted in a classification of benign for this disease.

Illumina Laboratory Services, Illumina
Classification: Benign for Tibial muscular dystrophy. Last evaluated: 2018-01-13. Review status: criteria provided, single submitter. Criteria: ICSL Variant Classification Criteria 13 December 2019. Collection method: clinical testing. Allele origin: germline.
Comment: the same text as in the submission from Illumina Laboratory Services, Illumina above.

CHEO Genetics Diagnostic Laboratory, Children's Hospital of Eastern Ontario
Classification: Benign for Cardiomyopathy. Last evaluated: 2017-02-09. Review status: criteria provided, single submitter. Criteria: ACMG Guidelines, 2015. Collection method: clinical testing. Allele origin: germline. Study: Canadian Open Genetics Repository.

GeneDx
Classification: Benign. Last evaluated: 2013-04-29. Review status: criteria provided, single submitter. Criteria: GeneDx Variant Classification (06012015). Collection method: clinical testing. Allele origin: germline. Affected: yes.
Comment: This variant is considered likely benign or benign based on one or more of the following criteria: it is a conservative change, it occurs at a poorly conserved position in the protein, it is predicted to be benign by multiple in silico algorithms, and/or has population frequency not consistent with disease.

Laboratory for Molecular Medicine, Mass General Brigham Personalized Medicine
Classification: Benign. Last evaluated: 2012-05-10. Review status: criteria provided, single submitter. Criteria: LMM Criteria. Collection method: clinical testing. Allele origin: germline. Observed: 42 variant alleles.
Comment: 28990+9G>A in intron 129 of TTN: This variant is not expected to have clinical s ignificance because it is not located within the splice consensus sequence and h as been identified in 1.1% (74/6598) of European American chromosomes from a bro ad population by the NHLBI Exome Sequencing Project (u/EVS; dbSNP rs148231130).

Clinical Genetics DNA and cytogenetics Diagnostics Lab, Erasmus MC, Erasmus Medical Center
Classification: Benign. Review status: no assertion criteria provided. Collection method: clinical testing. Allele origin: germline. Affected: yes. Study: VKGL Data-share Consensus. Not counted in ClinVar's aggregate classification.

Clinical Genetics, Academic Medical Center
Classification: Benign. Review status: no assertion criteria provided. Collection method: clinical testing. Allele origin: germline. Affected: yes. Study: VKGL Data-share Consensus. Not counted in ClinVar's aggregate classification.

Diagnostic Laboratory, Department of Genetics, University Medical Center Groningen
Classification: Likely benign. Review status: no assertion criteria provided. Collection method: clinical testing. Allele origin: germline. Affected: yes. Study: VKGL Data-share Consensus. Not counted in ClinVar's aggregate classification.

Genetic Services Laboratory, University of Chicago
Classification: Likely benign for AllHighlyPenetrant. Review status: no assertion criteria provided. Collection method: clinical testing. Allele origin: germline. Not counted in ClinVar's aggregate classification.
Comment: Likely benign based on allele frequency in 1000 Genomes Project or ESP global frequency and its presence in a patient with a rare or unrelated disease phenotype. NOT Sanger confirmed.

Joint Genome Diagnostic Labs from Nijmegen and Maastricht, Radboudumc and MUMC+
Classification: Benign. Review status: no assertion criteria provided. Collection method: clinical testing. Allele origin: germline. Affected: yes. Study: VKGL Data-share Consensus. Not counted in ClinVar's aggregate classification.

Laboratory of Diagnostic Genome Analysis, Leiden University Medical Center (LUMC)
Classification: Likely benign. Review status: no assertion criteria provided. Collection method: clinical testing. Allele origin: germline. Affected: yes. Study: VKGL Data-share Consensus. Not counted in ClinVar's aggregate classification.